The following is an entry in ClinVar:

NM_152703.5(SAMD9L):c.3053A>G (p.Glu1018Gly)

Gene: SAMD9L (sterile alpha motif domain containing 9 like; minus strand). Cytogenetic location: 7q21.2.
Variant type: single nucleotide variant.
Coding change: c.3053A>G on transcript NM_152703.5 (MANE Select); coding-DNA position 3053, A replaced by G.
Protein change: p.Glu1018Gly; replaces glutamic acid 1018 with glycine.
Molecular consequence: missense variant.
Genome position (GRCh38, 1-based): chr7:93,132,919, T>C on the plus strand (A>G on the coding strand, the complement: SAMD9L is on the minus strand). VCF-style: chr7-93132919-T-C. GRCh37 (hg19) VCF-style: chr7-92762232-T-C.
Other names: c.3053A>G, p.Glu1018Gly (NM_001303496.3, NM_001303497.3, NM_001303498.3 and 5 more transcripts); c.3053A>G (NM_001303497.1); short protein forms E1018G.
Identifiers: ClinVar variation 2337469 (VCV002337469.5), dbSNP rs897248431, ClinGen allele CA161959805.

ClinVar aggregate classification (germline): Uncertain significance. Review status: criteria provided, multiple submitters, no conflicts (2 of 4 stars). 3 submissions from 3 submitters: Uncertain significance (2). 1 of the submissions does not count toward it. Last evaluated 2025-06-27.

Conditions:
SAMD9L-related disorder. Also called: SAMD9L-related disorders; SAMD9L-related condition.
Inborn genetic diseases. Identifiers: MedGen C0950123, MeSH D030342.

Allele frequency attached by ClinVar (database versions not stated): gnomAD exomes below 0.00001; gnomAD 0.00001; TOPMed 0.00002.
gnomAD v4.1: 6 of 1,613,066 alleles (0.00037%); highest among the groups gnomAD compares: Non-Finnish European, 0.00042%; no homozygotes.

Submissions (3):

Labcorp Genetics (formerly Invitae), Labcorp
Classification: Uncertain significance. Last evaluated: 2025-06-27. Review status: criteria provided, single submitter. Criteria: Invitae Variant Classification Sherloc (09022015). Collection method: clinical testing. Allele origin: germline.
Comment: This sequence change replaces glutamic acid, which is acidic and polar, with glycine, which is neutral and non-polar, at codon 1018 of the SAMD9L protein (p.Glu1018Gly). This variant is present in population databases (no rsID available, gnomAD 0.006%). This variant has not been reported in the literature in individuals affected with SAMD9L-related conditions. ClinVar contains an entry for this variant (Variation ID: 2337469). Invitae Evidence Modeling of protein sequence and biophysical properties (such as structural, functional, and spatial information, amino acid conservation, physicochemical variation, residue mobility, and thermodynamic stability) has been performed for this missense variant. However, the output from this modeling did not meet the statistical confidence thresholds required to predict the impact of this variant on SAMD9L protein function. In summary, the available evidence is currently insufficient to determine the role of this variant in disease. Therefore, it has been classified as a Variant of Uncertain Significance.

Ambry Genetics
Classification: Uncertain significance for Inborn genetic diseases. Last evaluated: 2025-02-02. Review status: criteria provided, single submitter. Criteria: Ambry Variant Classification Scheme 2023. Collection method: clinical testing. Allele origin: germline.
Comment: The p.E1018G variant (also known as c.3053A>G), located in coding exon 1 of the SAMD9L gene, results from an A to G substitution at nucleotide position 3053. The glutamic acid at codon 1018 is replaced by glycine, an amino acid with similar properties. This amino acid position is conserved. In addition, this alteration is predicted to be tolerated by in silico analysis. Based on the available evidence, the clinical significance of this variant remains unclear.

PreventionGenetics, part of Exact Sciences
Classification: Uncertain significance for SAMD9L-related condition. Last evaluated: 2024-03-14. Review status: no assertion criteria provided. Collection method: clinical testing. Allele origin: germline. Not counted in ClinVar's aggregate classification.
Comment: The SAMD9L c.3053A>G variant is predicted to result in the amino acid substitution p.Glu1018Gly. To our knowledge, this variant has not been reported in the literature. This variant is reported in 0.0054% of alleles in individuals of East Asian descent in gnomAD. At this time, the clinical significance of this variant is uncertain due to the absence of conclusive functional and genetic evidence.